The following is an entry in ClinVar:

ClinVar aggregate classification (germline): Uncertain significance (1 of 4 stars; one submission).

Conditions:
Immunodeficiency, common variable, 2 (CVID2). Also called: HYPOGAMMAGLOBULINEMIA DUE TO TACI DEFICIENCY; ANTIBODY DEFICIENCY DUE TO TACI DEFECT. Identifiers: Orphanet 1572, MedGen C3150354, MONDO:0009413, OMIM 240500.

Allele frequency attached by ClinVar (database versions not stated): gnomAD 0.00001.

Submission:

Labcorp Genetics (formerly Invitae), Labcorp
Classification: Uncertain significance for Common variable immunodeficiency 2. Last evaluated: 2019-08-22. Review status: criteria provided, single submitter. Criteria: Invitae Variant Classification Sherloc (09022015). Collection method: clinical testing. Allele origin: germline.
Comment: This sequence change replaces lysine with asparagine at codon 188 of the TNFRSF13B protein (p.Lys188Asn). The lysine residue is weakly conserved and there is a moderate physicochemical difference between lysine and asparagine. This variant is not present in population databases (ExAC no frequency). This variant has not been reported in the literature in individuals with TNFRSF13B-related conditions. Algorithms developed to predict the effect of missense changes on protein structure and function are either unavailable or do not agree on the potential impact of this missense change (SIFT: "Deleterious"; PolyPhen-2: "Benign"; Align-GVGD: "Class C0"). In summary, the available evidence is currently insufficient to determine the role of this variant in disease. Therefore, it has been classified as a Variant of Uncertain Significance.

NM_012452.3(TNFRSF13B):c.564G>C (p.Lys188Asn)

Gene: TNFRSF13B (TNF receptor superfamily member 13B; minus strand). Cytogenetic location: 17p11.2.
Variant type: single nucleotide variant.
Coding change: c.564G>C on transcript NM_012452.3 (MANE Select); coding-DNA position 564, G replaced by C.
Protein change: p.Lys188Asn; replaces lysine 188 with asparagine.
Molecular consequence: missense variant.
Genome position (GRCh38, 1-based): chr17:16,940,393, C>G on the plus strand (G>C on the coding strand, the complement: TNFRSF13B is on the minus strand). VCF-style: chr17-16940393-C-G. GRCh37 (hg19) VCF-style: chr17-16843707-C-G.
Other names: short protein forms K188N.
Identifiers: ClinVar variation 941090 (VCV000941090.1), dbSNP rs2087500993, ClinGen allele CA398519489.